The following is an entry in ClinVar:

ClinVar aggregate classification (germline): Uncertain significance (1 of 4 stars; one submission).

Conditions:
MEGF10-related myopathy (CMYO10A). Also called: Congenital myopathy 10A, severe variant. Identifiers: Orphanet 439212, MedGen C3280679, MONDO:0013731, OMIM 614399.

gnomAD v4.1: 1 of 1,613,512 alleles (0.000062%); no homozygotes.

Submission:

Labcorp Genetics (formerly Invitae), Labcorp
Classification: Uncertain significance for MEGF10-related myopathy. Last evaluated: 2025-02-27. Review status: criteria provided, single submitter. Criteria: Invitae Variant Classification Sherloc (09022015). Collection method: clinical testing. Allele origin: germline.
Comment: This sequence change replaces cysteine, which is neutral and slightly polar, with arginine, which is basic and polar, at codon 17 of the MEGF10 protein (p.Cys17Arg). The frequency data for this variant in the population databases is considered unreliable, as metrics indicate poor data quality at this position in the gnomAD database. This variant has not been reported in the literature in individuals affected with MEGF10-related conditions. An algorithm developed to predict the effect of missense changes on protein structure and function (PolyPhen-2) suggests that this variant is likely to be tolerated. In summary, the available evidence is currently insufficient to determine the role of this variant in disease. Therefore, it has been classified as a Variant of Uncertain Significance.

NM_001256545.2(MEGF10):c.49T>C (p.Cys17Arg)

Gene: MEGF10 (multiple EGF like domains 10; plus strand). Cytogenetic location: 5q23.2.
Variant type: single nucleotide variant.
Coding change: c.49T>C on transcript NM_001256545.2 (MANE Select); coding-DNA position 49, T replaced by C.
Protein change: p.Cys17Arg; replaces cysteine 17 with arginine.
Molecular consequence: missense variant.
Genome position (GRCh38, 1-based): chr5:127,331,357, T>C. VCF-style: chr5-127331357-T-C. GRCh37 (hg19) VCF-style: chr5-126667049-T-C.
Other names: c.49T>C, p.Cys17Arg (NM_001308119.2, NM_001308121.2, NM_032446.3); short protein forms C17R.
Identifiers: ClinVar variation 4738333 (VCV004738333.1).